The following is an entry in ClinVar:

NM_000350.3(ABCA4):c.2864del (p.Glu955fs)

Gene: ABCA4 (ATP binding cassette subfamily A member 4; minus strand). Cytogenetic location: 1p22.1.
Variant type: Deletion.
Coding change: c.2864del on transcript NM_000350.3 (MANE Select); coding-DNA position 2864, one base deleted (A; older notation c.2864delA).
Protein change: p.Glu955fs; shifts the reading frame from glutamic acid 955.
Molecular consequence: frameshift variant.
Genome position (GRCh38, 1-based): chr1:94,046,973, T deleted on the plus strand (A on the coding strand, the reverse complement: ABCA4 is on the minus strand). VCF-style (leftmost placement, unchanged base first): chr1-94046972-CT-C. GRCh37 (hg19) VCF-style: chr1-94512528-CT-C.
Other names: c.2642del, p.Glu881fs (NM_001425324.1); short protein forms E955fs, E881fs.
Identifiers: ClinVar variation 3656055 (VCV003656055.2).

ClinVar aggregate classification (germline): Pathogenic (1 of 4 stars; one submission).

Submission:

Labcorp Genetics (formerly Invitae), Labcorp
Classification: Pathogenic. Last evaluated: 2025-06-23. Review status: criteria provided, single submitter. Criteria: Invitae Variant Classification Sherloc (09022015). Collection method: clinical testing. Allele origin: germline.
Comment: This sequence change creates a premature translational stop signal (p.Glu955Glyfs*22) in the ABCA4 gene. It is expected to result in an absent or disrupted protein product. Loss-of-function variants in ABCA4 are known to be pathogenic (PMID: 10958761, 24938718, 25312043, 26780318). This variant is present in population databases (rs773330082, gnomAD 0.0009%). This variant has not been reported in the literature in individuals affected with ABCA4-related conditions. ClinVar contains an entry for this variant (Variation ID: 3656055). For these reasons, this variant has been classified as Pathogenic.

Literature cited by the submitters: PubMed 10958761; PubMed 24938718; PubMed 25312043; PubMed 26780318.